The following is an entry in ClinVar:

NM_001292063.2(OTOG):c.996+9C>A

Gene: OTOG (otogelin; plus strand). Cytogenetic location: 11p15.1.
Variant type: single nucleotide variant.
Coding change: c.996+9C>A on transcript NM_001292063.2 (MANE Select); 9 bases into the intron after coding-DNA position 996, C replaced by A.
Molecular consequence: intron variant.
Genome position (GRCh38, 1-based): chr11:17,558,324, C>A. VCF-style: chr11-17558324-C-A. GRCh37 (hg19) VCF-style: chr11-17579871-C-A.
Other names: c.1032+9C>A (NM_001277269.2).
Identifiers: ClinVar variation 226858 (VCV000226858.19), dbSNP rs147843540, ClinGen allele CA5905427.
Genomic context (GRCh38, chr11:17,558,324, plus strand): 5'-TTCCTCCCTGCCTCGCCCACCGTGCCTACAGCAGAACCCAGGAACCATGCAGGTCTGGAG[C>A]TTGGGGAGAAACTCCCCTACCCTAGAGCCTGACTTGCTATCCAACTCTTCGAAAGCCACT-3'

ClinVar aggregate classification (germline): Benign. Review status: criteria provided, multiple submitters, no conflicts (2 of 4 stars). 5 submissions from 5 submitters: Benign (4). 1 of the submissions does not count toward it. Last evaluated 2026-01-24.

Conditions:
OTOG-related disorder. Also called: OTOG-related condition.

Allele frequency attached by ClinVar (database versions not stated): 1000 Genomes Project 0.00280; 1000 Genomes Project 30x 0.00297; TOPMed 0.00645; ExAC 0.00670; gnomAD exomes 0.00694 and 0.00986; gnomAD 0.00713 and 0.00730.
gnomAD v4.1: 14,755 of 1,550,518 alleles (0.95%); highest among the groups gnomAD compares: Non-Finnish European, 1.1%; 86 homozygotes.

Submissions (5):

Labcorp Genetics (formerly Invitae), Labcorp
Classification: Benign. Last evaluated: 2026-01-24. Review status: criteria provided, single submitter. Criteria: Invitae Variant Classification Sherloc (09022015). Collection method: clinical testing. Allele origin: germline.

Athena Diagnostics
Classification: Benign. Last evaluated: 2019-07-26. Review status: criteria provided, single submitter. Criteria: Athena Diagnostics Criteria. Collection method: clinical testing. Allele origin: germline.

GeneDx
Classification: Benign. Last evaluated: 2018-06-28. Review status: criteria provided, single submitter. Criteria: GeneDx Variant Classification Process June 2021. Collection method: clinical testing. Allele origin: germline. Affected: yes.

Laboratory for Molecular Medicine, Mass General Brigham Personalized Medicine
Classification: Benign. Last evaluated: 2014-11-24. Review status: criteria provided, single submitter. Criteria: LMM Criteria. Collection method: clinical testing. Allele origin: germline. Observed: 11 variant alleles.
Comment: 1032+9C>A in intron 8 of OTOG: This variant is not expected to have clinical sig nificance because it is not located within the conserved splice consensus sequen ce. It has been identified in 1.5% (11/758) of European chromosomes from a broad population by the 1000 Genomes Project (P; dbSNP rs147843540).

PreventionGenetics, part of Exact Sciences
Classification: Benign for OTOG-related condition. Last evaluated: 2020-02-05. Review status: no assertion criteria provided. Collection method: clinical testing. Allele origin: germline. Not counted in ClinVar's aggregate classification.
Comment: This variant is classified as benign based on ACMG/AMP sequence variant interpretation guidelines (Richards et al. 2015 PMID: 25741868, with internal and published modifications).